The following is an entry in ClinVar:

NM_000548.5(TSC2):c.3883+9T>C

Gene: TSC2 (TSC complex subunit 2; plus strand). Cytogenetic location: 16p13.3.
Variant type: single nucleotide variant.
Coding change: c.3883+9T>C on transcript NM_000548.5 (MANE Select); 9 bases into the intron after coding-DNA position 3883, T replaced by C.
Molecular consequence: intron variant. On other transcripts: missense variant (1).
Genome position (GRCh38, 1-based): chr16:2,082,513, T>C. VCF-style: chr16-2082513-T-C. GRCh37 (hg19) VCF-style: chr16-2132514-T-C.
Other names: c.3760T>C, p.Ser1254Pro (NM_001406665.1); c.2341+715T>C (NM_001406693.1, NM_001406692.1, NM_001406694.1); c.3775+715T>C (NM_001406667.1); c.3772+715T>C (NM_001406668.1); c.3283+9T>C (NM_001406680.1); c.3214+715T>C (NM_001406683.1, NM_001406682.1); c.3082+715T>C (NM_001406687.1, NM_001406688.1); c.2470+715T>C (NM_001406689.1); and 26 more; short protein forms S1254P.
Identifiers: ClinVar variation 4071061 (VCV004071061.3).
Genomic context (GRCh38, chr16:2,082,513, plus strand): 5'-CTGTACCAGTCCAGCTGCCAAGGACAGCTGCACAGGAGCGTTTCCTGGGCAGGTATCGCC[T>C]CTCAGAGGGAAGCGGTTGGCTGCAGAGCGCCACTCTGCCTCATAGGTGCTGTGCTCGTCG-3'

ClinVar aggregate classification (germline): Likely benign. Review status: criteria provided, multiple submitters, no conflicts (2 of 4 stars). 3 submissions from 3 submitters: Likely benign (3). Last evaluated 2025-06-24.

Conditions:
Tuberous sclerosis 2 (TSC2). Identifiers: Orphanet 805, MedGen C1860707, MONDO:0013199, OMIM 613254.

Submissions (3):

Labcorp Genetics (formerly Invitae), Labcorp
Classification: Likely benign for Tuberous sclerosis 2. Last evaluated: 2025-06-24. Review status: criteria provided, single submitter. Criteria: Invitae Variant Classification Sherloc (09022015). Collection method: clinical testing. Allele origin: germline.

Myriad Genetics, Inc.
Classification: Likely benign for Tuberous sclerosis 2. Last evaluated: 2025-06-02. Review status: criteria provided, single submitter. Criteria: Myriad Autosomal Dominant, Autosomal Recessive and X-Linked Classification Criteria (2023). Collection method: clinical testing. Allele origin: unknown.
Comment: This variant is considered likely benign. This variant is intronic and is not expected to impact mRNA splicing.

Blueprint Genetics
Classification: Likely benign. Last evaluated: 2019-12-31. Review status: criteria provided, single submitter. Criteria: ACMG Guidelines, 2015. Collection method: clinical testing. Allele origin: germline.